The following is an entry in ClinVar:

NM_001273.5(CHD4):c.2001C>G (p.Phe667Leu)

Gene: CHD4 (chromodomain helicase DNA binding protein 4; minus strand). Cytogenetic location: 12p13.31.
Variant type: single nucleotide variant.
Coding change: c.2001C>G on transcript NM_001273.5 (MANE Select); coding-DNA position 2001, C replaced by G.
Protein change: p.Phe667Leu; replaces phenylalanine 667 with leucine.
Molecular consequence: missense variant.
Genome position (GRCh38, 1-based): chr12:6,596,029, G>C on the plus strand (C>G on the coding strand, the complement: CHD4 is on the minus strand). VCF-style: chr12-6596029-G-C. GRCh37 (hg19) VCF-style: chr12-6705195-G-C.
Other names: c.1980C>G, p.Phe660Leu (NM_001297553.2); c.1962C>G, p.Phe654Leu (NM_001363606.2); short protein forms F654L, F660L, F667L.
Identifiers: ClinVar variation 4536867 (VCV004536867.1).

ClinVar aggregate classification (germline): Uncertain significance (1 of 4 stars; one submission).

gnomAD v4.1: 5 of 1,612,704 alleles (0.00031%); highest among the groups gnomAD compares: African/African-American, 0.0067%; no homozygotes.

Submission:

Women's Health and Genetics/Laboratory Corporation of America, LabCorp
Classification: Uncertain significance. Last evaluated: 2025-11-11. Review status: criteria provided, single submitter. Criteria: LabCorp Variant Classification Summary - May 2015. Collection method: clinical testing. Allele origin: germline.
Comment: Variant summary: CHD4 c.2001C>G (p.Phe667Leu) results in a non-conservative amino acid change in the encoded protein sequence. Algorithms developed to predict the effect of missense changes on protein structure and function are either unavailable or do not agree on the potential impact of this missense change. The variant allele was found at a frequency of 8e-06 in 251400 control chromosomes. The available data on variant occurrences in the general population are insufficient to allow any conclusion about variant significance. To our knowledge, no occurrence of c.2001C>G in individuals affected with CHD4-related conditions and no experimental evidence demonstrating its impact on protein function have been reported. No submitters have cited clinical-significance assessments for this variant to ClinVar. Based on the evidence outlined above, the variant was classified as uncertain significance.